The following is an entry in ClinVar:

ClinVar aggregate classification (germline): Uncertain significance (1 of 4 stars; one submission).

Conditions:
Inborn genetic diseases. Identifiers: MedGen C0950123, MeSH D030342.

gnomAD v4.1: 1 of 1,607,400 alleles (0.000062%); highest among the groups gnomAD compares: South Asian, 0.0011%; no homozygotes.

Submission:

Ambry Genetics
Classification: Uncertain significance for Inborn genetic diseases. Last evaluated: 2025-02-03. Review status: criteria provided, single submitter. Criteria: Ambry Variant Classification Scheme 2023. Collection method: clinical testing. Allele origin: germline.
Comment: The p.P229Q variant (also known as c.686C>A), located in coding exon 8 of the ASXL1 gene, results from a C to A substitution at nucleotide position 686. The proline at codon 229 is replaced by glutamine, an amino acid with similar properties. This amino acid position is conserved. In addition, this alteration is predicted to be tolerated by in silico analysis. Based on the available evidence, the clinical significance of this variant remains unclear.

NM_015338.6(ASXL1):c.686C>A (p.Pro229Gln)

Gene: ASXL1 (ASXL transcriptional regulator 1; plus strand). Cytogenetic location: 20q11.21.
Variant type: single nucleotide variant.
Coding change: c.686C>A on transcript NM_015338.6 (MANE Select); coding-DNA position 686, C replaced by A.
Protein change: p.Pro229Gln; replaces proline 229 with glutamine.
Molecular consequence: missense variant. On other transcripts: intron variant (1).
Genome position (GRCh38, 1-based): chr20:32,430,021, C>A. VCF-style: chr20-32430021-C-A. GRCh37 (hg19) VCF-style: chr20-31017824-C-A.
Other names: c.535+590C>A (NM_001363734.1); short protein forms P229Q.
Identifiers: ClinVar variation 3793177 (VCV003793177.1).